The following is an entry in ClinVar:

ClinVar aggregate classification (germline): Uncertain significance (1 of 4 stars; one submission).

Conditions:
Hawkinsinuria. Identifiers: Orphanet 2118, MedGen C2931042, MONDO:0007700, OMIM 140350, HP:0034457.
Tyrosinemia type III. Also called: Tyrosinemia type 3; 4-alpha hydroxyphenylpyruvic acid oxidase deficiency; 4-alpha hydroxyphenylpyruvate dioxygenase deficiency; 4-Hydroxyphenylpyruvate dioxygenase deficiency; 4-HYDROXYPHENYLPYRUVIC ACID OXIDASE DEFICIENCY. Identifiers: Orphanet 69723, MedGen C0268623, MONDO:0010162, OMIM 276710.

Submission:

Labcorp Genetics (formerly Invitae), Labcorp
Classification: Uncertain significance for Tyrosinemia type III; Hawkinsinuria. Last evaluated: 2017-08-21. Review status: criteria provided, single submitter. Criteria: Invitae Variant Classification Sherloc (09022015). Collection method: clinical testing. Allele origin: germline.
Comment: In summary, the available evidence is currently insufficient to determine the role of this variant in disease. Therefore, it has been classified as a Variant of Uncertain Significance. This variant has not been reported in the literature in individuals with HPD-related disease. This variant is not present in population databases (ExAC no frequency). Experimental studies and prediction algorithms are not available for this variant, and the functional significance of the deleted amino acid(s) is currently unknown. This sequence change results in a premature translational stop signal in the HPD gene (p.Met384Argfs*72). While this is not anticipated to result in nonsense mediated decay, it is expected to disrupt the last 10 amino acids of the HPD protein.

NM_002150.3(HPD):c.1151del (p.Met384fs)

Genes: HPD (4-hydroxyphenylpyruvate dioxygenase; minus strand), TIALD (transcript inducer of AURKA lysosomal degradation; plus strand). Cytogenetic location: 12q24.31.
Variant type: Deletion.
Coding change: c.1151del on transcript NM_002150.3 (MANE Select); coding-DNA position 1151, one base deleted (T; older notation c.1151delT).
Protein change: p.Met384fs; shifts the reading frame from methionine 384.
Molecular consequence: frameshift variant.
Genome position (GRCh38, 1-based): chr12:121,839,759, A deleted on the plus strand (T on the coding strand, the reverse complement: HPD is on the minus strand). VCF-style (leftmost placement, unchanged base first): chr12-121839758-CA-C. GRCh37 (hg19) VCF-style: chr12-122277664-CA-C.
Other names: c.1034del, p.Met345fs (NM_001171993.2); short protein forms M384fs, M345fs.
Identifiers: ClinVar variation 529466 (VCV000529466.9), dbSNP rs1555339247, ClinGen allele CA658797971.